The following is an entry in ClinVar:

ClinVar aggregate classification (germline): Uncertain significance (1 of 4 stars; one submission).

Conditions:
Developmental and epileptic encephalopathy, 33 (DEE33). Also called: Epileptic encephalopathy, early infantile, 33. Identifiers: Orphanet 442835, MedGen C4225337, MONDO:0014625, OMIM 616409.

Submission:

Labcorp Genetics (formerly Invitae), Labcorp
Classification: Uncertain significance for Developmental and epileptic encephalopathy, 33. Last evaluated: 2020-09-16. Review status: criteria provided, single submitter. Criteria: Invitae Variant Classification Sherloc (09022015). Collection method: clinical testing. Allele origin: unknown.
Comment: This variant results in the deletion of part of exon 8 (c.1323_*37712del) of the EEF1A2 gene. While this deletion is not anticipated to lead to nonsense mediated decay, it is expected to alter mRNA translation or result in a truncated protein product. This variant has not been reported in the literature in individuals with EEF1A2-related conditions. Experimental studies and prediction algorithms are not available or were not evaluated, and the functional significance of this variant is currently unknown. In summary, the available evidence is currently insufficient to determine the role of this variant in disease. Therefore, it has been classified as a Variant of Uncertain Significance.

NC_000020.10:g.(?_62081939)_(62119720_?)del

Genes: EEF1A2 (eukaryotic translation elongation factor 1 alpha 2; minus strand), KCNQ2 (potassium voltage-gated channel subfamily Q member 2; minus strand). Cytogenetic location: 20q13.33.
Variant type: Deletion.
Identifiers: ClinVar variation 3248313 (VCV003248313.1).